The following is an entry in ClinVar:

NM_001204.7(BMPR2):c.151A>C (p.Ile51Leu)

Gene: BMPR2 (bone morphogenetic protein receptor type 2; plus strand). Cytogenetic location: 2q33.1.
Variant type: single nucleotide variant.
Coding change: c.151A>C on transcript NM_001204.7 (MANE Select); coding-DNA position 151, A replaced by C.
Protein change: p.Ile51Leu; replaces isoleucine 51 with leucine.
Molecular consequence: missense variant.
Genome position (GRCh38, 1-based): chr2:202,464,883, A>C. VCF-style: chr2-202464883-A-C. GRCh37 (hg19) VCF-style: chr2-203329606-A-C.
Other names: short protein forms I51L.
Identifiers: ClinVar variation 3992122 (VCV003992122.1).

ClinVar aggregate classification (germline): Uncertain significance (1 of 4 stars; one submission).

Conditions:
Inborn genetic diseases. Identifiers: MedGen C0950123, MeSH D030342.

gnomAD v4.1: 2 of 1,613,774 alleles (0.00012%); highest among the groups gnomAD compares: Non-Finnish European, 0.00017%; no homozygotes.

Submission:

Ambry Genetics
Classification: Uncertain significance for Inborn genetic diseases. Last evaluated: 2025-04-14. Review status: criteria provided, single submitter. Criteria: Ambry Variant Classification Scheme 2023. Collection method: clinical testing. Allele origin: germline.
Comment: The p.I51L variant (also known as c.151A>C), located in coding exon 2 of the BMPR2 gene, results from an A to C substitution at nucleotide position 151. The isoleucine at codon 51 is replaced by leucine, an amino acid with highly similar properties. This amino acid position is conserved. In addition, this alteration is predicted to be deleterious by in silico analysis. Based on the available evidence, the clinical significance of this variant remains unclear.